The following is an entry in ClinVar:

ClinVar aggregate classification (germline): Uncertain significance (1 of 4 stars; one submission).

Conditions:
Immunodeficiency, common variable, 10. Also called: DEFICIT IN ANTERIOR PITUITARY FUNCTION AND VARIABLE IMMUNODEFICIENCY; IMMUNODEFICIENCY, COMMON VARIABLE, WITH CENTRAL ADRENAL INSUFFICIENCY. Identifiers: MedGen C3809991, MONDO:0014260, OMIM 615577.

Allele frequency attached by ClinVar (database versions not stated): gnomAD exomes below 0.00001.
gnomAD v4.1: 1 of 1,603,678 alleles (0.000062%); highest among the groups gnomAD compares: Admixed American, 0.0017%; no homozygotes.

Submission:

Labcorp Genetics (formerly Invitae), Labcorp
Classification: Uncertain significance for Immunodeficiency, common variable, 10. Last evaluated: 2025-11-10. Review status: criteria provided, single submitter. Criteria: Invitae Variant Classification Sherloc (09022015). Collection method: clinical testing. Allele origin: germline.
Comment: This sequence change replaces alanine, which is neutral and non-polar, with valine, which is neutral and non-polar, at codon 363 of the NFKB2 protein (p.Ala363Val). This variant is not present in population databases (gnomAD no frequency). This variant has not been reported in the literature in individuals affected with NFKB2-related conditions. ClinVar contains an entry for this variant (Variation ID: 1966991). An algorithm developed to predict the effect of missense changes on protein structure and function (PolyPhen-2) suggests that this variant is likely to be tolerated. In summary, the available evidence is currently insufficient to determine the role of this variant in disease. Therefore, it has been classified as a Variant of Uncertain Significance.

NM_001322934.2(NFKB2):c.1088C>T (p.Ala363Val)

Gene: NFKB2 (nuclear factor kappa B subunit 2; plus strand). Cytogenetic location: 10q24.32.
Variant type: single nucleotide variant.
Coding change: c.1088C>T on transcript NM_001322934.2 (MANE Select); coding-DNA position 1088, C replaced by T.
Protein change: p.Ala363Val; replaces alanine 363 with valine.
Molecular consequence: missense variant. On other transcripts: intron variant (1).
Genome position (GRCh38, 1-based): chr10:102,398,835, C>T. VCF-style: chr10-102398835-C-T. GRCh37 (hg19) VCF-style: chr10-104158592-C-T.
Other names: c.1088C>T, p.Ala363Val (NM_001077493.1, NM_001077494.3, NM_001261403.3 and 2 more transcripts); c.991+312C>T (NM_001322935.1); short protein forms A363V.
Identifiers: ClinVar variation 1966991 (VCV001966991.5), dbSNP rs2544586459, ClinGen allele CA377898212.